The following is an entry in ClinVar:

ClinVar aggregate classification (germline): Likely benign (1 of 4 stars; one submission).

gnomAD v4.1: 3 of 1,613,100 alleles (0.00019%); no homozygotes.

Submission:

CeGaT Center for Human Genetics Tuebingen
Classification: Likely benign. Last evaluated: 2026-07-01. Review status: criteria provided, single submitter. Criteria: CeGaT Center For Human Genetics Tuebingen Variant Classification Criteria Version 2. Collection method: clinical testing. Allele origin: germline. Affected: yes. Observed: 1 variant allele.
Comment: TRAF7: BP4, BP7

NM_032271.3(TRAF7):c.519C>T (p.Asn173=)

Gene: TRAF7 (TNF receptor associated factor 7; plus strand). Cytogenetic location: 16p13.3.
Variant type: single nucleotide variant.
Coding change: c.519C>T on transcript NM_032271.3 (MANE Select); coding-DNA position 519, C replaced by T.
Protein change: p.Asn173=; no amino-acid change (asparagine 173 retained).
Molecular consequence: synonymous variant.
Genome position (GRCh38, 1-based): chr16:2,172,234, C>T. VCF-style: chr16-2172234-C-T. GRCh37 (hg19) VCF-style: chr16-2222235-C-T.
Identifiers: ClinVar variation 5040083 (VCV005040083.1).